The following is an entry in ClinVar:

NM_201548.5(CERKL):c.1134G>A (p.Arg378=)

Gene: CERKL (CERK like autophagy regulator; minus strand). Cytogenetic location: 2q31.3.
Variant type: single nucleotide variant.
Coding change: c.1134G>A on transcript NM_201548.5 (MANE Select); coding-DNA position 1134, G replaced by A.
Protein change: p.Arg378=; no amino-acid change (arginine 378 retained).
Molecular consequence: synonymous variant. On other transcripts: non-coding transcript variant (2).
Genome position (GRCh38, 1-based): chr2:181,547,847, C>T on the plus strand (G>A on the coding strand, the complement: CERKL is on the minus strand). VCF-style: chr2-181547847-C-T. GRCh37 (hg19) VCF-style: chr2-182412574-C-T.
Other names: c.1212G>A, p.Arg404= (NM_001030311.3); c.795G>A, p.Arg265= (NM_001030312.3); c.927G>A, p.Arg309= (NM_001030313.3); c.*416G>A (NM_001030314.1, NM_001030315.1); c.1080G>A, p.Arg360= (NM_001160277.2).
Identifiers: ClinVar variation 2078005 (VCV002078005.4), dbSNP rs2468292248, ClinGen allele CA430407370.

ClinVar aggregate classification (germline): Uncertain significance (1 of 4 stars; one submission).

Submission:

Labcorp Genetics (formerly Invitae), Labcorp
Classification: Uncertain significance. Last evaluated: 2022-01-08. Review status: criteria provided, single submitter. Criteria: Invitae Variant Classification Sherloc (09022015). Collection method: clinical testing. Allele origin: germline.
Comment: In summary, the available evidence is currently insufficient to determine the role of this variant in disease. Therefore, it has been classified as a Variant of Uncertain Significance. Algorithms developed to predict the effect of sequence changes on RNA splicing suggest that this variant is not likely to affect RNA splicing. This variant has not been reported in the literature in individuals affected with CERKL-related conditions. This variant is not present in population databases (gnomAD no frequency). This sequence change affects codon 404 of the CERKL mRNA. It is a 'silent' change, meaning that it does not change the encoded amino acid sequence of the CERKL protein. It affects a nucleotide within the consensus splice site.